The following is an entry in ClinVar:

ClinVar aggregate classification (germline): Uncertain significance (1 of 4 stars; one submission).

Submission:

Ambry Genetics
Classification: Uncertain significance. Last evaluated: 2023-12-19. Review status: criteria provided, single submitter. Criteria: Ambry Variant Classification Scheme 2023. Collection method: clinical testing. Allele origin: germline.
Comment: The p.L2334F variant (also known as c.7000C>T), located in coding exon 25 of the POLQ gene, results from a C to T substitution at nucleotide position 7000. The leucine at codon 2334 is replaced by phenylalanine, an amino acid with highly similar properties. This amino acid position is conserved. In addition, this alteration is predicted to be deleterious by in silico analysis. Since supporting evidence is limited at this time, the clinical significance of this alteration remains unclear.

NM_199420.4(POLQ):c.7000C>T (p.Leu2334Phe)

Gene: POLQ (DNA polymerase theta; minus strand). Cytogenetic location: 3q13.33.
Variant type: single nucleotide variant.
Coding change: c.7000C>T on transcript NM_199420.4 (MANE Select); coding-DNA position 7000, C replaced by T.
Protein change: p.Leu2334Phe; replaces leucine 2334 with phenylalanine.
Molecular consequence: missense variant.
Genome position (GRCh38, 1-based): chr3:121,460,202, G>A on the plus strand (C>T on the coding strand, the complement: POLQ is on the minus strand). VCF-style: chr3-121460202-G-A. GRCh37 (hg19) VCF-style: chr3-121179049-G-A.
Other names: short protein forms L2334F.
Identifiers: ClinVar variation 1756642 (VCV001756642.2), dbSNP rs2546764858, ClinGen allele CA354107718.